The following is an entry in ClinVar:

ClinVar aggregate classification (germline): Conflicting classifications of pathogenicity. Review status: criteria provided, conflicting classifications (1 of 4 stars). 8 submissions from 8 submitters: Uncertain significance (5); Likely benign (3). Last evaluated 2026-04-13.

Conditions:
TTN-related disorder. Also called: TTN-related condition; TTN-related disease; TTN-related disorders.
Cardiovascular phenotype. Identifiers: MedGen CN230736.
Dilated cardiomyopathy 1G (CMD1G). Identifiers: Orphanet 154, MedGen C1858763, MONDO:0011400, OMIM 604145.
Autosomal recessive limb-girdle muscular dystrophy type 2J (LGMDR10). Also called: Limb-girdle muscular dystrophy, type 2J; MUSCULAR DYSTROPHY, LIMB-GIRDLE, AUTOSOMAL RECESSIVE 10. Identifiers: Orphanet 140922, MedGen C1837342, MONDO:0012127, OMIM 608807.

Allele frequency attached by ClinVar (database versions not stated): ExAC 0.00004; gnomAD exomes 0.00006 and 0.00008; gnomAD 0.00010 and 0.00011; TOPMed 0.00012; 1000 Genomes Project 30x 0.00016; ESP Exome Variant Server 0.00016; 1000 Genomes Project 0.00020.
gnomAD v4.1: 128 of 1,613,912 alleles (0.0079%); highest among the groups gnomAD compares: East Asian, 0.016%; no homozygotes.

Submissions (8):

Women's Health and Genetics/Laboratory Corporation of America, LabCorp
Classification: Uncertain significance. Last evaluated: 2026-04-13. Review status: criteria provided, single submitter. Criteria: LabCorp Variant Classification Summary - May 2015. Collection method: clinical testing. Allele origin: germline.
Comment: Variant summary: TTN c.94820G>A (p.Arg31607Gln) results in a conservative amino acid change located in the M-band region of the encoded protein sequence. Algorithms developed to predict the effect of missense changes on protein structure and function are either unavailable or do not agree on the potential impact of this missense change. The variant allele was found at a frequency of 5.6e-05 in 248884 control chromosomes (gnomAD). This frequency is not significantly higher than estimated for disease-causing variants in TTN, allowing no conclusion about variant significance. c.94820G>A has been reported in the literature in at least one individual affected with Dilated Cardiomyopathy without evidence of causality (e.g. Johnson_2023). Thes report does not provide unequivocal conclusions about association of the variant with Dilated Cardiomyopathy. To our knowledge, no experimental evidence demonstrating an impact on protein function has been reported. The following publication have been ascertained in the context of this evaluation (PMID: 37671549). ClinVar contains an entry for this variant (Variation ID: 203066). Based on the evidence outlined above, the variant was classified as uncertain significance.

Molecular Diagnostic Laboratory for Inherited Cardiovascular Disease, Montreal Heart Institute
Classification: Likely benign. Last evaluated: 2026-03-27. Review status: criteria provided, single submitter. Criteria: ACMG Guidelines, 2015. Collection method: clinical testing. Allele origin: germline. Affected: no.

PreventionGenetics, part of Exact Sciences
Classification: Uncertain significance for TTN-related condition. Last evaluated: 2025-08-05. Review status: criteria provided, single submitter. Criteria: ACMG Guidelines, 2015. Collection method: clinical testing. Allele origin: germline.
Comment: The TTN c.102524G>A variant is predicted to result in the amino acid substitution p.Arg34175Gln. This variant has been reported in an individual with cardiomyopathy (Supplementary Table X, Johnson et al. 2023. PubMed ID: 37671549). This variant is reported in 0.0086% of alleles in individuals of European (Non-Finnish) descent in gnomAD. At this time, the clinical significance of this variant is uncertain due to the absence of conclusive functional and genetic evidence.

Revvity Omics, Revvity
Classification: Uncertain significance. Last evaluated: 2024-06-10. Review status: criteria provided, single submitter. Criteria: ACMG Guidelines, 2015. Collection method: clinical testing. Allele origin: germline.

Blueprint Genetics
Classification: Likely benign. Last evaluated: 2023-06-26. Review status: criteria provided, single submitter. Criteria: ACMG Guidelines, 2015. Collection method: clinical testing. Allele origin: germline.

GeneDx
Classification: Likely benign. Last evaluated: 2019-08-13. Review status: criteria provided, single submitter. Criteria: GeneDx Variant Classification Process June 2021. Collection method: clinical testing. Allele origin: germline. Affected: yes.

Ambry Genetics
Classification: Uncertain significance for Cardiovascular phenotype. Last evaluated: 2019-01-21. Review status: criteria provided, single submitter. Criteria: Ambry Variant Classification Scheme 2023. Collection method: clinical testing. Allele origin: germline.
Comment: The p.R25110Q variant (also known as c.75329G>A), located in coding exon 185 of the TTN gene, results from a G to A substitution at nucleotide position 75329. The arginine at codon 25110 is replaced by glutamine, an amino acid with highly similar properties. This amino acid position is highly conserved in available vertebrate species. In addition, this alteration is predicted to be tolerated by in silico analysis. Since supporting evidence is limited at this time, the clinical significance of this alteration remains unclear.

Labcorp Genetics (formerly Invitae), Labcorp
Classification: Uncertain significance for Dilated cardiomyopathy 1G; Autosomal recessive limb-girdle muscular dystrophy type 2J. Last evaluated: 2017-04-17. Review status: criteria provided, single submitter. Criteria: Invitae Variant Classification Sherloc (09022015). Collection method: clinical testing. Allele origin: germline.

Literature cited by the submitters: PubMed 37671549 (cited by Women's Health and Genetics/Laboratory Corporation of America, LabCorp).

NM_001267550.2(TTN):c.102524G>A (p.Arg34175Gln)

Genes: TTN-AS1 (TTN antisense RNA 1; plus strand), TTN (titin; minus strand). Cytogenetic location: 2q31.2.
Variant type: single nucleotide variant.
Coding change: c.102524G>A on transcript NM_001267550.2 (MANE Select); coding-DNA position 102524, G replaced by A.
Protein change: p.Arg34175Gln; replaces arginine 34175 with glutamine.
Molecular consequence: missense variant.
Genome position (GRCh38, 1-based): chr2:178,534,091, C>T on the plus strand (G>A on the coding strand, the complement: TTN is on the minus strand). VCF-style: chr2-178534091-C-T. GRCh37 (hg19) VCF-style: chr2-179398818-C-T.
Other names: p.R32534Q:CGA>CAA; c.97601G>A, p.Arg32534Gln (NM_001256850.1); c.75329G>A, p.Arg25110Gln (NM_003319.4); c.94820G>A, p.Arg31607Gln (NM_133378.4); c.75704G>A, p.Arg25235Gln (NM_133432.3); c.75905G>A, p.Arg25302Gln (NM_133437.4); short protein forms R32534Q, R34175Q, R25302Q, R25110Q, R25235Q, R31607Q.
Identifiers: ClinVar variation 203066 (VCV000203066.16), dbSNP rs201954720, ClinGen allele CA311136.